The following is an entry in ClinVar:

ClinVar aggregate classification (germline): Uncertain significance (0 of 4 stars; one submission).

Conditions:
VPS4A-related disorder. Also called: VPS4A-related condition.

Submission:

PreventionGenetics, part of Exact Sciences
Classification: Uncertain significance for VPS4A-related condition. Last evaluated: 2024-06-20. Review status: no assertion criteria provided. Collection method: clinical testing. Allele origin: germline.
Comment: The VPS4A c.850_851+1delAGG variant is predicted to result in a deletion affecting a canonical splice site. Importantly, however, this deletion could also be referred to as c.844_846del (due to a short AGG repeat region), which is predicted to result in an inframe deletion of one amino acid (p.Arg282del). Splicing prediction programs do not predict this variant would impact splicing (SpliceAI, Jaganathan et al. 2019. PubMed ID: 30661751). To our knowledge, this variant has not been reported in the literature or in a large population database, indicating this variant is rare. At this time, the clinical significance of this variant is uncertain due to the absence of conclusive functional and genetic evidence.

NM_013245.2(VPS4A):c.850_851+1delAGG

Gene: VPS4A (vacuolar protein sorting 4 homolog A; plus strand). Cytogenetic location: 16q22.1.
Variant type: Microsatellite.
Coding change: c.850_851+1delAGG on transcript NM_013245.2; coding-DNA position 850 through the canonical splice donor site of the intron after coding-DNA position 851, 3 bases deleted (AGG).
Genome position (GRCh38, 1-based): chr16:69,320,768-69,320,770, AGG deleted; deleting any 3 consecutive bases within chr16:69,320,762-69,320,770 gives the same sequence; the c. name uses the placement nearest the transcript's 3' end. VCF-style (leftmost placement, unchanged base first): chr16-69320761-CAGG-C. GRCh37 (hg19) VCF-style: chr16-69354664-CAGG-C.
Identifiers: ClinVar variation 3344322 (VCV003344322.1).